The following is an entry in ClinVar:

NM_001298.3(CNGA3):c.1621C>T (p.Leu541Phe)

Gene: CNGA3 (cyclic nucleotide gated channel subunit alpha 3; plus strand). Cytogenetic location: 2q11.2.
Variant type: single nucleotide variant.
Coding change: c.1621C>T on transcript NM_001298.3 (MANE Select); coding-DNA position 1621, C replaced by T.
Protein change: p.Leu541Phe; replaces leucine 541 with phenylalanine.
Molecular consequence: missense variant.
Genome position (GRCh38, 1-based): chr2:98,396,791, C>T. VCF-style: chr2-98396791-C-T. GRCh37 (hg19) VCF-style: chr2-99013254-C-T.
Other names: c.1567C>T, p.Leu523Phe (NM_001079878.2); short protein forms L523F, L541F.
Identifiers: ClinVar variation 5006350 (VCV005006350.2).

ClinVar aggregate classification (germline): Likely pathogenic (1 of 4 stars; one submission).

Conditions:
Achromatopsia 2 (ACHM2). Also called: COLORBLINDNESS, TOTAL; ROD MONOCHROMACY 2; ROD MONOCHROMATISM 2. Identifiers: Orphanet 49382, MedGen C1857618, MONDO:0009003, OMIM 216900.

Submission:

Juno Genomics, Hangzhou Juno Genomics, Inc
Classification: Likely pathogenic for Achromatopsia 2. Review status: criteria provided, single submitter. Criteria: ACMG Guidelines, 2015. Collection method: clinical testing. Allele origin: germline.
Comment: Absent from controls (or at extremely low frequency if recessive) in Genome Aggregation Database.;Multiple lines of computational evidence support a deleterious effect on the gene or gene product.;Patient's phenotype or family history is highly specific for a disease with a single genetic etiology.